The following is an entry in ClinVar:

NM_018124.4(RFWD3):c.94G>A (p.Gly32Arg)

Gene: RFWD3 (ring finger and WD repeat domain 3; minus strand). Cytogenetic location: 16q23.1.
Variant type: single nucleotide variant.
Coding change: c.94G>A on transcript NM_018124.4 (MANE Select); coding-DNA position 94, G replaced by A.
Protein change: p.Gly32Arg; replaces glycine 32 with arginine.
Molecular consequence: missense variant. On other transcripts: intron variant (1), 5 prime UTR variant (4).
Genome position (GRCh38, 1-based): chr16:74,661,356, C>T on the plus strand (G>A on the coding strand, the complement: RFWD3 is on the minus strand). VCF-style: chr16-74661356-C-T. GRCh37 (hg19) VCF-style: chr16-74695254-C-T.
Other names: c.94G>A, p.Gly32Arg (NM_001370534.1, NM_001370535.1, NM_001370536.1); c.-317+3268G>A (NM_001370540.1); c.-915G>A (NM_001370537.1); c.-538G>A (NM_001370539.1, NM_001370541.1); c.-792G>A (NM_001370542.1); c.-670G>A (NM_001370543.1); short protein forms G32R.
Identifiers: ClinVar variation 2830216 (VCV002830216.3), dbSNP rs2544144694, ClinGen allele CA396764617.

ClinVar aggregate classification (germline): Uncertain significance (1 of 4 stars; one submission).

Allele frequency attached by ClinVar (database versions not stated): gnomAD exomes below 0.00001.

Submission:

Labcorp Genetics (formerly Invitae), Labcorp
Classification: Uncertain significance. Last evaluated: 2023-09-22. Review status: criteria provided, single submitter. Criteria: Invitae Variant Classification Sherloc (09022015). Collection method: clinical testing. Allele origin: germline.
Comment: In summary, the available evidence is currently insufficient to determine the role of this variant in disease. Therefore, it has been classified as a Variant of Uncertain Significance. An algorithm developed to predict the effect of missense changes on protein structure and function (PolyPhen-2) suggests that this variant is likely to be tolerated. This variant has not been reported in the literature in individuals affected with RFWD3-related conditions. This variant is not present in population databases (gnomAD no frequency). This sequence change replaces glycine, which is neutral and non-polar, with arginine, which is basic and polar, at codon 32 of the RFWD3 protein (p.Gly32Arg).